The following is an entry in ClinVar:

NM_000321.3(RB1):c.1499del

Gene: RB1 (RB transcriptional corepressor 1; plus strand). Cytogenetic location: 13q14.2.
Variant type: Deletion.
Coding change: c.1499del on transcript NM_000321.3 (MANE Select); coding-DNA position 1499, one base deleted (G; older notation c.1499delG).
Molecular consequence: splice acceptor variant.
Genome position (GRCh38, 1-based): chr13:48,381,247, G deleted; the last of 2 consecutive G bases (chr13:48,381,246-48,381,247); deleting either gives the same sequence. VCF-style (leftmost placement, unchanged base first): chr13-48381245-AG-A. GRCh37 (hg19) VCF-style: chr13-48955381-AG-A.
Identifiers: ClinVar variation 3236997 (VCV003236997.1), dbSNP rs2542206397.
Genomic context (GRCh38, chr13:48,381,245, plus strand): 5'-AAAAAATACCTAGCTCAAGGGTTAATATTTCATAAATAGTTACTTTTTTTTTTCATTTTT[AG>A]GAAGTACATCTCAGAATCTTGATTCTGGAACAGATTTGTCTTTCCCATGGATTCTGAATG-3'

ClinVar aggregate classification (germline): Pathogenic (1 of 4 stars; one submission).

Conditions:
Retinoblastoma (RB1). Also called: RETINOBLASTOMA, SOMATIC. Identifiers: Orphanet 790, MedGen C0035335, MeSH D012175, MONDO:0008380, OMIM 180200, HP:0009919. Disease mechanism: loss of function. Inheritance: Both sporadic and heritable forms are tested..

Submission:

Genetic Diagnostic Laboratory, University of Pennsylvania School of Medicine
Classification: Pathogenic for Retinoblastoma. Last evaluated: 2024-05-20. Review status: criteria provided, single submitter. Criteria: ACMG Guidelines, 2015. Collection method: clinical testing. Allele origin: germline. Affected: yes. Observed: 2 variant alleles.
Comment: Case and Pedigree Information: BILATERAL CASES:2, UNILATERAL CASES:0, TOTAL CASES:2, PEDIGREES:2. ACMG Codes Applied:PVS1, PM2